The following is an entry in ClinVar:

ClinVar aggregate classification (germline): Uncertain significance. Review status: criteria provided, multiple submitters, no conflicts (2 of 4 stars). 2 submissions from 2 submitters: Uncertain significance (2). Last evaluated 2021-04-12.

Conditions:
Hearing impairment. Also called: Impaired Hearing. Identifiers: MedGen C1384666, MONDO:0005365, HP:0000365.

Allele frequency attached by ClinVar (database versions not stated): ExAC below 0.00001; gnomAD exomes below 0.00001; gnomAD 0.00001; TOPMed 0.00001.
gnomAD v4.1: 9 of 1,603,858 alleles (0.00056%); highest among the groups gnomAD compares: African/African-American, 0.0027%; no homozygotes.

Submissions (2):

Department of Otolaryngology – Head & Neck Surgery, Cochlear Implant Center
Classification: Uncertain significance for Hearing impairment. Last evaluated: 2021-04-12. Review status: criteria provided, single submitter. Criteria: ClinGen HL ACMG Specifications v1. Collection method: clinical testing. Allele origin: germline. Affected: yes.
Comment: PM2_Moderate

Laboratory for Molecular Medicine, Mass General Brigham Personalized Medicine
Classification: Uncertain significance. Last evaluated: 2019-08-14. Review status: criteria provided, single submitter. Criteria: LMM Criteria. Collection method: clinical testing. Allele origin: germline. Observed: 1 variant allele.
Comment: The p.Arg352Cys variant in CEACAM16 has not been previously reported in individuals with hearing loss and was absent from large population studies. Computational prediction tools and conservation analysis suggest that this variant may impact the protein, though this information is not predictive enough to determine pathogenicity. In summary, the clinical significance of this variant is uncertain. ACMG/AMP Criteria applied: PM2, PP3.

NM_001039213.4(CEACAM16):c.1054C>T (p.Arg352Cys)

Genes: CEACAM16 (CEA cell adhesion molecule 16, tectorial membrane component; plus strand), CEACAM16-AS1 (CEACAM16, CEACAM19 and PVR antisense RNA 1; minus strand). Cytogenetic location: 19q13.32.
Variant type: single nucleotide variant.
Coding change: c.1054C>T on transcript NM_001039213.4 (MANE Select); coding-DNA position 1054, C replaced by T.
Protein change: p.Arg352Cys; replaces arginine 352 with cysteine.
Molecular consequence: missense variant.
Genome position (GRCh38, 1-based): chr19:44,707,974, C>T. VCF-style: chr19-44707974-C-T. GRCh37 (hg19) VCF-style: chr19-45211246-C-T.
Other names: short protein forms R352C.
Identifiers: ClinVar variation 930137 (VCV000930137.7), dbSNP rs747961516, ClinGen allele CA9503217.
Genomic context (GRCh38, chr19:44,707,974, plus strand): 5'-CAGGACGTAACACTGACCGTGCAGGGCTACCCCAAGGACCTGCTGGTCTACGCCTGGTAC[C>T]GCGGGCCTGCCTCCGAGCCCAACCGGCTGCTCAGCCAGCTGCCGTCAGGAACCTGGATTG-3'
Protein context (NP_001034302.2, residues 342-362): PKDLLVYAWY[Arg352Cys]GPASEPNRLL